The following is an entry in ClinVar:

NM_001734.5(C1S):c.513C>T (p.Cys171=)

Gene: C1S (complement C1s; plus strand). Cytogenetic location: 12p13.31.
Variant type: single nucleotide variant.
Coding change: c.513C>T on transcript NM_001734.5 (MANE Select); coding-DNA position 513, C replaced by T.
Protein change: p.Cys171=; no amino-acid change (cysteine 171 retained).
Molecular consequence: synonymous variant.
Genome position (GRCh38, 1-based): chr12:7,064,388, C>T. VCF-style: chr12-7064388-C-T. GRCh37 (hg19) VCF-style: chr12-7171692-C-T.
Other names: c.12C>T, p.Cys4= (NM_001346850.2); c.513C>T, p.Cys171= (NM_201442.4); c.513C>T (NM_201442.3).
Identifiers: ClinVar variation 1581177 (VCV001581177.36), dbSNP rs782165948, ClinGen allele CA6423469.
Genomic context (GRCh38, chr12:7,064,388, plus strand): 5'-TGGTGGTTACTTCTGCTCCTGCCCCCCGGAATATTTCCTCCATGATGACATGAAGAATTG[C>T]GGAGGTGAGCTTGGTGTTAAGAGGGTTGCATGTTCCCTGGGATTTGGAATGGCTGAGGCC-3'
Protein context (NP_001725.1, residues 161-181): EYFLHDDMKN[Cys171=]GVNCSGDVFT

ClinVar aggregate classification (germline): Likely benign. Review status: criteria provided, multiple submitters, no conflicts (2 of 4 stars). 6 submissions from 6 submitters: Likely benign (5). 1 of the submissions does not count toward it. Last evaluated 2026-04-17.

Conditions:
C1S-related disorder. Also called: C1S-related condition.

Allele frequency attached by ClinVar (database versions not stated): gnomAD 0.00001 and 0.00011; ExAC 0.00005; TOPMed 0.00020.
gnomAD v4.1: 60 of 1,613,858 alleles (0.0037%); highest among the groups gnomAD compares: Middle Eastern, 0.016%; 1 homozygote.

Submissions (6):

Women's Health and Genetics/Laboratory Corporation of America, LabCorp
Classification: Likely benign. Last evaluated: 2026-04-17. Review status: criteria provided, single submitter. Criteria: LabCorp Variant Classification Summary - May 2015. Collection method: clinical testing. Allele origin: germline.

Labcorp Genetics (formerly Invitae), Labcorp
Classification: Likely benign. Last evaluated: 2025-06-15. Review status: criteria provided, single submitter. Criteria: Invitae Variant Classification Sherloc (09022015). Collection method: clinical testing. Allele origin: germline.

Blueprint Genetics
Classification: Likely benign. Last evaluated: 2024-10-25. Review status: criteria provided, single submitter. Criteria: ACMG Guidelines, 2015. Collection method: clinical testing. Allele origin: germline.

CeGaT Center for Human Genetics Tuebingen
Classification: Likely benign. Last evaluated: 2022-09-01. Review status: criteria provided, single submitter. Criteria: CeGaT Center For Human Genetics Tuebingen Variant Classification Criteria Version 2. Collection method: clinical testing. Allele origin: germline. Affected: yes. Observed: 1 variant allele.
Comment: C1S: BP4, BP7

Breakthrough Genomics
Classification: Likely benign. Review status: criteria provided, single submitter. Criteria: ACMG Guidelines, 2015. Collection method: not provided. Allele origin: germline. Inheritance: Autosomal dominant inheritance. Affected: yes.

PreventionGenetics, part of Exact Sciences
Classification: Likely benign for C1S-related condition. Last evaluated: 2019-03-05. Review status: no assertion criteria provided. Collection method: clinical testing. Allele origin: germline. Not counted in ClinVar's aggregate classification.
Comment: This variant is classified as likely benign based on ACMG/AMP sequence variant interpretation guidelines (Richards et al. 2015 PMID: 25741868, with internal and published modifications).